The following is an entry in ClinVar:

NM_016203.4(PRKAG2):c.1201C>G (p.His401Asp)

Gene: PRKAG2 (protein kinase AMP-activated non-catalytic subunit gamma 2; minus strand). Cytogenetic location: 7q36.1.
Variant type: single nucleotide variant.
Coding change: c.1201C>G on transcript NM_016203.4 (MANE Select); coding-DNA position 1201, C replaced by G.
Protein change: p.His401Asp; replaces histidine 401 with aspartic acid.
Molecular consequence: missense variant.
Genome position (GRCh38, 1-based): chr7:151,568,748, G>C on the plus strand (C>G on the coding strand, the complement: PRKAG2 is on the minus strand). VCF-style: chr7-151568748-G-C. GRCh37 (hg19) VCF-style: chr7-151265834-G-C.
Other names: c.1069C>G, p.His357Asp (NM_001040633.2); c.826C>G, p.His276Asp (NM_001304527.2); c.478C>G, p.His160Asp (NM_001304531.2, NM_024429.2); c.829C>G, p.His277Asp (NM_001363698.2); short protein forms H401D, H276D, H277D, H160D, H357D.
Identifiers: ClinVar variation 241091 (VCV000241091.9), dbSNP rs878855017, ClinGen allele CA10582471.

ClinVar aggregate classification (germline): Likely pathogenic (1 of 4 stars; one submission).

Conditions:
Lethal congenital glycogen storage disease of heart. Also called: GLYCOGEN STORAGE DISEASE OF HEART; PHOSPHORYLASE KINASE DEFICIENCY OF HEART. Identifiers: Orphanet 439854, MedGen C1849813, MONDO:0009867, OMIM 261740.

Submission:

Labcorp Genetics (formerly Invitae), Labcorp
Classification: Likely pathogenic for Lethal congenital glycogen storage disease of heart. Last evaluated: 2022-10-13. Review status: criteria provided, single submitter. Criteria: Invitae Variant Classification Sherloc (09022015). Collection method: clinical testing. Allele origin: germline.
Comment: This sequence change replaces histidine, which is basic and polar, with aspartic acid, which is acidic and polar, at codon 401 of the PRKAG2 protein (p.His401Asp). In summary, the currently available evidence indicates that the variant is pathogenic, but additional data are needed to prove that conclusively. Therefore, this variant has been classified as Likely Pathogenic. This variant disrupts the p.His401 amino acid residue in PRKAG2. Other variant(s) that disrupt this residue have been observed in individuals with PRKAG2-related conditions (PMID: 32215636), which suggests that this may be a clinically significant amino acid residue. Algorithms developed to predict the effect of missense changes on protein structure and function (SIFT, PolyPhen-2, Align-GVGD) all suggest that this variant is likely to be disruptive. ClinVar contains an entry for this variant (Variation ID: 241091). This missense change has been observed in individuals with PRKAG2-related conditions (PMID: 32259713). This variant is not present in population databases (gnomAD no frequency).

Literature cited by the submitters: PubMed 32215636; PubMed 32259713.